The following is an entry in ClinVar:

ClinVar aggregate classification (germline): Uncertain significance. Review status: criteria provided, multiple submitters, no conflicts (2 of 4 stars). 7 submissions from 7 submitters: Uncertain significance (7). Last evaluated 2026-01-26.

Conditions:
Inborn genetic diseases. Identifiers: MedGen C0950123, MeSH D030342.
Bardet-Biedl syndrome (BBS). Identifiers: Orphanet 110, MedGen C0752166, MONDO:0015229.
BBS9-related disorder. Also called: BBS9-related condition.

Allele frequency attached by ClinVar (database versions not stated): gnomAD exomes 0.00002 and 0.00008; gnomAD 0.00005; ExAC 0.00009; TOPMed 0.00010; 1000 Genomes Project 0.00040; 1000 Genomes Project 30x 0.00047.
gnomAD v4.1: 52 of 1,612,030 alleles (0.0032%); highest among the groups gnomAD compares: Admixed American, 0.038%; no homozygotes.

Submissions (7):

PreventionGenetics, part of Exact Sciences
Classification: Uncertain significance for BBS9-related condition. Last evaluated: 2026-01-26. Review status: criteria provided, single submitter. Criteria: ACMG Guidelines, 2015. Collection method: clinical testing. Allele origin: germline.
Comment: The BBS9 c.1949A>G variant is predicted to result in the amino acid substitution p.Asp650Gly. To our knowledge, this variant has not been reported in the literature. This variant is reported in 0.049% of alleles in individuals of Latino descent in gnomAD. At this time, the clinical significance of this variant is uncertain due to the absence of conclusive functional and genetic evidence.

GeneDx
Classification: Uncertain significance. Last evaluated: 2024-05-04. Review status: criteria provided, single submitter. Criteria: GeneDx Variant Classification Process June 2021. Collection method: clinical testing. Allele origin: germline. Affected: yes.
Comment: In silico analysis supports that this missense variant has a deleterious effect on protein structure/function; Has not been previously published as pathogenic or benign to our knowledge

Blueprint Genetics
Classification: Uncertain significance. Last evaluated: 2023-09-18. Review status: criteria provided, single submitter. Criteria: ACMG Guidelines, 2015. Collection method: clinical testing. Allele origin: germline.

Labcorp Genetics (formerly Invitae), Labcorp
Classification: Uncertain significance for Bardet-Biedl syndrome. Last evaluated: 2022-08-13. Review status: criteria provided, single submitter. Criteria: Invitae Variant Classification Sherloc (09022015). Collection method: clinical testing. Allele origin: germline.
Comment: This sequence change replaces aspartic acid, which is acidic and polar, with glycine, which is neutral and non-polar, at codon 650 of the BBS9 protein (p.Asp650Gly). This variant is present in population databases (rs201876934, gnomAD 0.05%). This variant has not been reported in the literature in individuals affected with BBS9-related conditions. ClinVar contains an entry for this variant (Variation ID: 531830). Algorithms developed to predict the effect of missense changes on protein structure and function are either unavailable or do not agree on the potential impact of this missense change (SIFT: "Deleterious"; PolyPhen-2: "Possibly Damaging"; Align-GVGD: "Class C0"). In summary, the available evidence is currently insufficient to determine the role of this variant in disease. Therefore, it has been classified as a Variant of Uncertain Significance.

Ambry Genetics
Classification: Uncertain significance for Inborn genetic diseases. Last evaluated: 2021-10-12. Review status: criteria provided, single submitter. Criteria: Ambry Variant Classification Scheme 2023. Collection method: clinical testing. Allele origin: germline.

Genetic Services Laboratory, University of Chicago
Classification: Uncertain significance. Last evaluated: 2021-03-08. Review status: criteria provided, single submitter. Criteria: ACMG Guidelines, 2015. Collection method: clinical testing. Allele origin: germline. Affected: no.
Comment: DNA sequence analysis of the BBS9 gene demonstrated a sequence change, c.1949A>G, in exon 18 that results in an amino acid change, p.Asp650Gly. This sequence change has been described in gnomAD with a population frequency of 0.0080 (dbSNP rs201876934). The p.Asp650Gly change affects a highly conserved amino acid residue located in a domain of the BBS9 protein that is not known to be functional. The p.Asp650Gly substitution appears to be deleterious using several in-silico pathogenicity prediction tools (SIFT, PolyPhen2, Align GVGD, REVEL). This sequence change does not appear to have been previously described in patients with BBS9-related disorders Due to the lack of sufficient evidences, the clinical significance of the p.Asp650Gly change remains unknown at this time.

Breakthrough Genomics
Classification: Uncertain significance. Review status: criteria provided, single submitter. Criteria: ACMG Guidelines, 2015. Collection method: not provided. Allele origin: germline. Inheritance: Autosomal recessive inheritance. Affected: yes.

NM_198428.3(BBS9):c.1949A>G (p.Asp650Gly)

Gene: BBS9 (Bardet-Biedl syndrome 9; plus strand). Cytogenetic location: 7p14.3.
Variant type: single nucleotide variant.
Coding change: c.1949A>G on transcript NM_198428.3 (MANE Select); coding-DNA position 1949, A replaced by G.
Protein change: p.Asp650Gly; replaces aspartic acid 650 with glycine.
Molecular consequence: missense variant. On other transcripts: non-coding transcript variant (3).
Genome position (GRCh38, 1-based): chr7:33,383,825, A>G. VCF-style: chr7-33383825-A-G. GRCh37 (hg19) VCF-style: chr7-33423437-A-G.
Other names: c.1844A>G, p.Asp615Gly (NM_001033604.2); c.1934A>G, p.Asp645Gly (NM_001033605.2); c.1949A>G, p.Asp650Gly (NM_001348036.1, NM_001348041.4, NM_001348043.3 and 1 more transcripts); c.1583A>G, p.Asp528Gly (NM_001348037.3, NM_001348045.3, NM_001348046.3); c.1676A>G, p.Asp559Gly (NM_001348038.3); c.1571A>G, p.Asp524Gly (NM_001348039.3); c.1829A>G, p.Asp610Gly (NM_001348040.3, NM_014451.4); c.1814A>G, p.Asp605Gly (NM_001348042.3); and 1 more; short protein forms D650G, D528G, D605G, D615G, D493G, D524G, D559G, D610G.
Identifiers: ClinVar variation 531830 (VCV000531830.15), dbSNP rs201876934, ClinGen allele CA4214546.